The following is an entry in ClinVar:

NM_001017915.3(INPP5D):c.489A>G (p.Thr163=)

Gene: INPP5D (inositol polyphosphate-5-phosphatase D; plus strand). Cytogenetic location: 2q37.1.
Variant type: single nucleotide variant.
Coding change: c.489A>G on transcript NM_001017915.3 (MANE Select); coding-DNA position 489, A replaced by G.
Protein change: p.Thr163=; no amino-acid change (threonine 163 retained).
Molecular consequence: synonymous variant.
Genome position (GRCh38, 1-based): chr2:233,125,884, A>G. VCF-style: chr2-233125884-A-G. GRCh37 (hg19) VCF-style: chr2-233990594-A-G.
Other names: c.486A>G, p.Thr162= (NM_005541.5).
Identifiers: ClinVar variation 3900044 (VCV003900044.1).

ClinVar aggregate classification (germline): drug response (0 of 4 stars; one submission).

Conditions:
Thalidomide response. Identifiers: MedGen CN297989.

gnomAD v4.1: 90,836 of 1,613,706 alleles (5.6%); highest among the groups gnomAD compares: South Asian, 9.1%; 2,944 homozygotes.

Submission:

Rare Diseases Genetics and Genomics, Islamia College Peshawar
Classification: drug response for Thalidomide response. Review status: no assertion criteria provided. Collection method: research. Allele origin: germline. Affected: yes.
Comment: this variant was associated with excellent response to thalidomide (achieving transfusion independence)